The following is an entry in ClinVar:

ClinVar aggregate classification (germline): Benign (1 of 4 stars; one submission).

Conditions:
Familial hyperaldosteronism type III. Also called: FH III; Familial hyperaldosteronism type 3. Identifiers: Orphanet 251274, MedGen C3838758, MONDO:0013359, OMIM 613677.

Allele frequency attached by ClinVar (database versions not stated): 1000 Genomes Project 30x 0.00141; 1000 Genomes Project 0.00100; gnomAD 0.00294 and 0.00293; gnomAD exomes 0.00347; TOPMed 0.00211.
gnomAD v4.1: 442 of 152,502 alleles (0.29%); highest among the groups gnomAD compares: Non-Finnish European, 0.39%; no homozygotes.

Submission:

Illumina Laboratory Services, Illumina
Classification: Benign for Familial hyperaldosteronism type III. Last evaluated: 2018-01-13. Review status: criteria provided, single submitter. Criteria: ICSL Variant Classification Criteria 13 December 2019. Collection method: clinical testing. Allele origin: germline.
Comment: This variant was observed in the ICSL laboratory as part of a predisposition screen in an ostensibly healthy population. It had not been previously curated by ICSL or reported in the Human Gene Mutation Database (HGMD: prior to June 1st, 2018), and was therefore a candidate for classification through an automated scoring system. Utilizing variant allele frequency, disease prevalence and penetrance estimates, and inheritance mode, an automated score was calculated to assess if this variant is too frequent to cause the disease. Based on the score and internal cut-off values, a variant classified as benign is not then subjected to further curation. The score for this variant resulted in a classification of benign for this disease.

NM_000890.5(KCNJ5):c.*1216C>T

Gene: KCNJ5 (potassium inwardly rectifying channel subfamily J member 5; plus strand). Cytogenetic location: 11q24.3.
Variant type: single nucleotide variant.
Coding change: c.*1216C>T on transcript NM_000890.5 (MANE Select); 1216 bases downstream of the stop codon, C replaced by T.
Molecular consequence: 3 prime UTR variant.
Genome position (GRCh38, 1-based): chr11:128,917,947, C>T. VCF-style: chr11-128917947-C-T. GRCh37 (hg19) VCF-style: chr11-128787842-C-T.
Other names: c.*1216C>T (LRG_333t1, NM_001354169.2).
Identifiers: ClinVar variation 303664 (VCV000303664.6), dbSNP rs566376081, ClinGen allele CA10638540.